The following is an entry in ClinVar:

ClinVar aggregate classification (germline): Uncertain significance (1 of 4 stars; one submission).

Submission:

Quest Diagnostics Nichols Institute San Juan Capistrano
Classification: Uncertain significance. Last evaluated: 2023-03-02. Review status: criteria provided, single submitter. Criteria: Quest Diagnostics criteria. Collection method: clinical testing. Allele origin: unknown.
Comment: To the best of our knowledge, the variant has not been reported in the published literature. It also has not been reported in large, multi-ethnic general populations. Analysis of this variant using bioinformatics tools for the prediction of the effect of amino acid changes on protein structure and function yielded predictions that this variant is damaging. Based on the available information, we are unable to determine the clinical significance of this variant.

NM_000059.4(BRCA2):c.9284A>C (p.Asp3095Ala)

Gene: BRCA2 (BRCA2 DNA repair associated; plus strand). Cytogenetic location: 13q13.1.
Variant type: single nucleotide variant.
Coding change: c.9284A>C on transcript NM_000059.4 (MANE Select); coding-DNA position 9284, A replaced by C.
Protein change: p.Asp3095Ala; replaces aspartic acid 3095 with alanine.
Molecular consequence: missense variant.
Genome position (GRCh38, 1-based): chr13:32,394,716, A>C. VCF-style: chr13-32394716-A-C. GRCh37 (hg19) VCF-style: chr13-32968853-A-C.
Other names: short protein forms D3095A.
Identifiers: ClinVar variation 1330142 (VCV001330142.2), dbSNP rs1060502443, ClinGen allele CA387760817.